The following is an entry in ClinVar:

NM_024741.3(ZNF408):c.581T>G (p.Val194Gly)

Gene: ZNF408 (zinc finger protein 408; plus strand). Cytogenetic location: 11p11.2.
Variant type: single nucleotide variant.
Coding change: c.581T>G on transcript NM_024741.3 (MANE Select); coding-DNA position 581, T replaced by G.
Protein change: p.Val194Gly; replaces valine 194 with glycine.
Molecular consequence: missense variant.
Genome position (GRCh38, 1-based): chr11:46,703,172, T>G. VCF-style: chr11-46703172-T-G. GRCh37 (hg19) VCF-style: chr11-46724722-T-G.
Other names: c.557T>G, p.Val186Gly (NM_001184751.2); short protein forms V194G, V186G.
Identifiers: ClinVar variation 1036438 (VCV001036438.8), dbSNP rs145722187, ClinGen allele CA5966374.

ClinVar aggregate classification (germline): Uncertain significance (1 of 4 stars; one submission).

Allele frequency attached by ClinVar (database versions not stated): ExAC 0.00001; gnomAD 0.00001; gnomAD exomes 0.00001.
gnomAD v4.1: 12 of 1,155,708 alleles (0.001%); highest among the groups gnomAD compares: Non-Finnish European, 0.0014%; no homozygotes.

Submission:

Labcorp Genetics (formerly Invitae), Labcorp
Classification: Uncertain significance. Last evaluated: 2022-02-04. Review status: criteria provided, single submitter. Criteria: Invitae Variant Classification Sherloc (09022015). Collection method: clinical testing. Allele origin: germline.
Comment: ClinVar contains an entry for this variant (Variation ID: 1036438). This variant has not been reported in the literature in individuals affected with ZNF408-related conditions. This variant is present in population databases (rs145722187, gnomAD 0.002%). This sequence change replaces valine, which is neutral and non-polar, with glycine, which is neutral and non-polar, at codon 194 of the ZNF408 protein (p.Val194Gly). Algorithms developed to predict the effect of missense changes on protein structure and function output the following: SIFT: "Deleterious"; PolyPhen-2: "Benign"; Align-GVGD: "Class C0". The glycine amino acid residue is found in multiple mammalian species, which suggests that this missense change does not adversely affect protein function. In summary, the available evidence is currently insufficient to determine the role of this variant in disease. Therefore, it has been classified as a Variant of Uncertain Significance.